The following is an entry in ClinVar:

ClinVar aggregate classification (germline): Uncertain significance. Review status: criteria provided, multiple submitters, no conflicts (2 of 4 stars). 2 submissions from 2 submitters: Uncertain significance (2). Last evaluated 2025-08-20.

Conditions:
Idiopathic generalized epilepsy. Also called: EIG; Generalised epilepsy. Identifiers: MedGen C0270850, MONDO:0005579, OMIM 600669.
Inborn genetic diseases. Identifiers: MedGen C0950123, MeSH D030342.

Allele frequency attached by ClinVar (database versions not stated): TOPMed below 0.00001; gnomAD exomes below 0.00001; gnomAD 0.00001.
gnomAD v4.1: 7 of 1,591,108 alleles (0.00044%); highest among the groups gnomAD compares: Non-Finnish European, 0.0006%; no homozygotes.

Submissions (2):

Ambry Genetics
Classification: Uncertain significance for Inborn genetic diseases. Last evaluated: 2025-08-20. Review status: criteria provided, single submitter. Criteria: Ambry Variant Classification Scheme 2023. Collection method: clinical testing. Allele origin: germline.

Labcorp Genetics (formerly Invitae), Labcorp
Classification: Uncertain significance for Idiopathic generalized epilepsy. Last evaluated: 2025-06-12. Review status: criteria provided, single submitter. Criteria: Invitae Variant Classification Sherloc (09022015). Collection method: clinical testing. Allele origin: germline.
Comment: This sequence change replaces valine, which is neutral and non-polar, with leucine, which is neutral and non-polar, at codon 396 of the GABRD protein (p.Val396Leu). This variant is present in population databases (no rsID available, gnomAD 0.001%). This variant has not been reported in the literature in individuals affected with GABRD-related conditions. ClinVar contains an entry for this variant (Variation ID: 2791632). An algorithm developed to predict the effect of missense changes on protein structure and function (PolyPhen-2) suggests that this variant is likely to be tolerated. In summary, the available evidence is currently insufficient to determine the role of this variant in disease. Therefore, it has been classified as a Variant of Uncertain Significance.

NM_000815.5(GABRD):c.1186G>T (p.Val396Leu)

Gene: GABRD (gamma-aminobutyric acid type A receptor subunit delta; plus strand). Cytogenetic location: 1p36.33.
Variant type: single nucleotide variant.
Coding change: c.1186G>T on transcript NM_000815.5 (MANE Select); coding-DNA position 1186, G replaced by T.
Protein change: p.Val396Leu; replaces valine 396 with leucine.
Molecular consequence: missense variant.
Genome position (GRCh38, 1-based): chr1:2,030,109, G>T. VCF-style: chr1-2030109-G-T. GRCh37 (hg19) VCF-style: chr1-1961548-G-T.
Other names: c.1186G>T (NM_000815.4); short protein forms V396L.
Identifiers: ClinVar variation 2791632 (VCV002791632.4), dbSNP rs1404444503, ClinGen allele CA337960711.